The following is an entry in ClinVar:

NM_178335.3(CCDC50):c.1108A>T (p.Met370Leu)

Gene: CCDC50 (coiled-coil domain containing 50; plus strand). Cytogenetic location: 3q28.
Variant type: single nucleotide variant.
Coding change: c.1108A>T on transcript NM_178335.3 (MANE Select); coding-DNA position 1108, A replaced by T.
Protein change: p.Met370Leu; replaces methionine 370 with leucine.
Molecular consequence: missense variant.
Genome position (GRCh38, 1-based): chr3:191,380,702, A>T. VCF-style: chr3-191380702-A-T. GRCh37 (hg19) VCF-style: chr3-191098491-A-T.
Other names: c.580A>T, p.Met194Leu (NM_174908.4); short protein forms M194L, M370L.
Identifiers: ClinVar variation 4978129 (VCV004978129.1).

ClinVar aggregate classification (germline): Uncertain significance (1 of 4 stars; one submission).

Conditions:
CCDC50-related disorder. Also called: CCDC50-related condition.

gnomAD v4.1: 14 of 1,612,572 alleles (0.00087%); highest among the groups gnomAD compares: Admixed American, 0.0067%; no homozygotes.

Submission:

PreventionGenetics, part of Exact Sciences
Classification: Uncertain significance for CCDC50-related condition. Last evaluated: 2026-01-14. Review status: criteria provided, single submitter. Criteria: ACMG Guidelines, 2015. Collection method: clinical testing. Allele origin: germline.
Comment: The CCDC50 c.1108A>T variant is predicted to result in the amino acid substitution p.Met370Leu. To our knowledge, this variant has not been reported in the literature. This variant is reported in 0.0058% of alleles in individuals of Latino descent in gnomAD. At this time, the clinical significance of this variant is uncertain due to the absence of conclusive functional and genetic evidence.